The following is an entry in ClinVar:

ClinVar aggregate classification (germline): Pathogenic/Likely pathogenic. Review status: criteria provided, multiple submitters, no conflicts (2 of 4 stars). 7 submissions from 7 submitters: Pathogenic (5); Likely pathogenic (1). 1 of the submissions does not count toward it. Last evaluated 2025-10-26.

Conditions:
Combined immunodeficiency with skin granulomas. Identifiers: Orphanet 157949, MedGen C2673536, MONDO:0009306, OMIM 233650.
Severe combined immunodeficiency, autosomal recessive, T cell-negative, B cell-negative, NK cell-positive. Also called: Severe combined immunodeficiency due to complete RAG1/2 deficiency; SCID, T CELL-NEGATIVE, B CELL-NEGATIVE, NK CELL-POSITIVE; SCID, AR, T-cell negative, B-cell negative, NK cell-positive. Identifiers: Orphanet 331206, MedGen C1832322, MONDO:0011086, OMIM 601457.
Histiocytic medullary reticulosis. Also called: SEVERE COMBINED IMMUNODEFICIENCY WITH HYPEREOSINOPHILIA; Omenn syndrome. Identifiers: Orphanet 39041, MedGen C2700553, MONDO:0011338, OMIM 603554.
Combined immunodeficiency due to partial RAG1 deficiency. Identifiers: Orphanet 231154, MedGen C1835931, MONDO:0012359, OMIM 609889.
Tumor predisposition syndrome 3 (TPDS3). Also called: LONG TELOMERE SYNDROME, POT1-RELATED; POT1 Tumor Predisposition; Glioma susceptibility 9; Melanoma, cutaneous malignant, susceptibility to, 10. Identifiers: Orphanet 618, MedGen C4014476, MONDO:0014368, OMIM 615848.
Severe combined immunodeficiency disease. Also called: Severe Combined Immune Deficiency; Severe combined immunodeficiency. Identifiers: Orphanet 183660, MedGen C0085110, MeSH D016511, MONDO:0015974, HP:0004430. Inheritance: X-Linked or Autosomal recessive.

Allele frequency attached by ClinVar (database versions not stated): gnomAD 0.00001; ExAC 0.00001; TOPMed 0.00001.
gnomAD v4.1: 9 of 1,614,060 alleles (0.00056%); highest among the groups gnomAD compares: Non-Finnish European, 0.00068%; no homozygotes.

Submissions (7):

Labcorp Genetics (formerly Invitae), Labcorp
Classification: Pathogenic for Combined immunodeficiency with skin granulomas; Severe combined immunodeficiency, autosomal recessive, T cell-negative, B cell-negative, NK cell-positive. Last evaluated: 2025-10-26. Review status: criteria provided, single submitter. Criteria: Invitae Variant Classification Sherloc (09022015). Collection method: clinical testing. Allele origin: germline.
Comment: This sequence change replaces cysteine, which is neutral and slightly polar, with tyrosine, which is neutral and polar, at codon 328 of the RAG1 protein (p.Cys328Tyr). This variant is present in population databases (rs121918571, gnomAD no frequency). This missense change has been observed in individual(s) with Omenn syndrome and with clinical features of severe combined immunodeficiency (PMID: 11133745, 17572155; internal data). In at least one individual the data is consistent with being in trans (on the opposite chromosome) from a pathogenic variant. ClinVar contains an entry for this variant (Variation ID: 13160). Invitae Evidence Modeling of protein sequence and biophysical properties (such as structural, functional, and spatial information, amino acid conservation, physicochemical variation, residue mobility, and thermodynamic stability) has been performed for this missense variant. However, the output from this modeling did not meet the statistical confidence thresholds required to predict the impact of this variant on RAG1 protein function. Experimental studies have shown that this missense change affects RAG1 function (PMID: 18056378, 24290284). For these reasons, this variant has been classified as Pathogenic.

Women's Health and Genetics/Laboratory Corporation of America, LabCorp
Classification: Pathogenic for Severe combined immunodeficiency disease. Last evaluated: 2025-06-20. Review status: criteria provided, single submitter. Criteria: LabCorp Variant Classification Summary - May 2015. Collection method: clinical testing. Allele origin: germline.
Comment: Variant summary: RAG1 c.983G>A (p.Cys328Tyr) results in a non-conservative amino acid change in the encoded protein sequence. Algorithms developed to predict the effect of missense changes on protein structure and function all suggest that this variant is likely to be disruptive. The variant was absent in 251198 control chromosomes. c.983G>A has been observed in multiple homozygous or compound heterozygous individuals affected with Severe Combined Immunodeficiency/Omenn syndrome (e.g. Villa_2001, Lee_2014, Bosticardo_2025, Internal data). These data indicate that the variant is very likely to be associated with disease. At least one publication reports experimental evidence evaluating an impact on protein function. The most pronounced variant effect results in 16% of normal VDJ recombination activity (e.g. Lee_2014). The following publications have been ascertained in the context of this evaluation (PMID: 39792639, 24290284, 11133745). ClinVar contains an entry for this variant (Variation ID: 13160). Based on the evidence outlined above, the variant was classified as pathogenic.

Johns Hopkins Genomics, Johns Hopkins University
Classification: Pathogenic for Tumor predisposition syndrome 3. Last evaluated: 2024-12-12. Review status: criteria provided, single submitter. Criteria: ACMG Guidelines, 2015. Collection method: clinical testing. Allele origin: germline.
Comment: This RAG1 variant (rs121918571) is rare (<0.1%) in a large population dataset (gnomADv2.1.1: 1/31392 total alleles; 0.003%; no homozygotes) and has been reported in ClinVar. This variant has been reported in unrelated individuals with a RAG1-related immune disorder. The cysteine residue at this amino acid position is strongly conserved across all vertebrate species assessed. Independent experimental studies demonstrate a negative effect of p.Cys328Tyr on both recombination activity and ubiquitin ligase activity compared to wild type RAG1 protein. Bioinformatic analysis predicts that this variant would not affect normal exon 2 splicing, although this has not been confirmed experimentally to our knowledge. We consider c.983G>A to be pathogenic for autosomal recessive RAG1-related immune disorder.

Department of Human Genetics, Hannover Medical School
Classification: Pathogenic for Severe combined immunodeficiency, autosomal recessive, T cell-negative, B cell-negative, NK cell-positive. Last evaluated: 2024-02-13. Review status: criteria provided, single submitter. Criteria: ACMG Guidelines, 2015. Collection method: clinical testing. Allele origin: germline. Affected: yes.

Fulgent Genetics
Classification: Likely pathogenic for Combined immunodeficiency with skin granulomas; Severe combined immunodeficiency, autosomal recessive, T cell-negative, B cell-negative, NK cell-positive; Histiocytic medullary reticulosis; Combined immunodeficiency due to partial RAG1 deficiency. Last evaluated: 2024-01-09. Review status: criteria provided, single submitter. Criteria: ACMG Guidelines, 2015. Collection method: clinical testing. Allele origin: germline.

Baylor Genetics
Classification: Pathogenic for Combined immunodeficiency due to partial RAG1 deficiency. Last evaluated: 2023-09-04. Review status: criteria provided, single submitter. Criteria: ACMG Guidelines, 2015. Collection method: clinical testing. Allele origin: unknown.

OMIM
Classification: Pathogenic for OMENN SYNDROME. Last evaluated: 2007-12-15. Review status: no assertion criteria provided. Collection method: literature only. Allele origin: germline. Not counted in ClinVar's aggregate classification.

Literature cited by the submitters: PubMed 11133745 (cited by 4 submitters); PubMed 17572155 (cited by 3 submitters); PubMed 18056378 (cited by 3 submitters); PubMed 24290284 (cited by 3 submitters); PubMed 39792639 (cited by Women's Health and Genetics/Laboratory Corporation of America, LabCorp); PubMed 19333736 (cited by Johns Hopkins Genomics, Johns Hopkins University); PubMed 26996199 (cited by Johns Hopkins Genomics, Johns Hopkins University); PubMed 33117328 (cited by Johns Hopkins Genomics, Johns Hopkins University).

NM_000448.3(RAG1):c.983G>A (p.Cys328Tyr)

Gene: RAG1 (recombination activating 1; plus strand). Cytogenetic location: 11p12.
Variant type: single nucleotide variant.
Coding change: c.983G>A on transcript NM_000448.3 (MANE Select); coding-DNA position 983, G replaced by A.
Protein change: p.Cys328Tyr; replaces cysteine 328 with tyrosine.
Molecular consequence: missense variant.
Genome position (GRCh38, 1-based): chr11:36,574,287, G>A. VCF-style: chr11-36574287-G-A. GRCh37 (hg19) VCF-style: chr11-36595837-G-A.
Other names: c.983G>A, p.Cys328Tyr (NM_001377277.1, NM_001377278.1, NM_001377279.1 and 1 more transcripts); short protein forms C328Y.
Identifiers: ClinVar variation 13160 (VCV000013160.16), dbSNP rs121918571, ClinGen allele CA122922.